The following is an entry in ClinVar:

ClinVar aggregate classification (germline): Uncertain significance. Review status: criteria provided, multiple submitters, no conflicts (2 of 4 stars). 2 submissions from 2 submitters: Uncertain significance (2). Last evaluated 2026-01-25.

Conditions:
Charcot-Marie-Tooth disease type 2. Also called: Charcot-Marie-Tooth type 2. Identifiers: Orphanet 64746, MedGen C0270914, MONDO:0018993.
Inborn genetic diseases. Identifiers: MedGen C0950123, MeSH D030342.

Allele frequency attached by ClinVar (database versions not stated): gnomAD exomes below 0.00001.
gnomAD v4.1: 1 of 1,614,198 alleles (0.000062%); highest among the groups gnomAD compares: Non-Finnish European, 0.000085%; no homozygotes.

Submissions (2):

Labcorp Genetics (formerly Invitae), Labcorp
Classification: Uncertain significance for Charcot-Marie-Tooth disease type 2. Last evaluated: 2026-01-25. Review status: criteria provided, single submitter. Criteria: Invitae Variant Classification Sherloc (09022015). Collection method: clinical testing. Allele origin: germline.
Comment: This sequence change replaces alanine, which is neutral and non-polar, with glycine, which is neutral and non-polar, at codon 317 of the MFN2 protein (p.Ala317Gly). This variant is not present in population databases (gnomAD no frequency). This missense change has been observed in individual(s) with clinical features of MFN2-related conditions (internal data). ClinVar contains an entry for this variant (Variation ID: 843133). Invitae Evidence Modeling of protein sequence and biophysical properties (such as structural, functional, and spatial information, amino acid conservation, physicochemical variation, residue mobility, and thermodynamic stability) has been performed for this missense variant. However, the output from this modeling did not meet the statistical confidence thresholds required to predict the impact of this variant on MFN2 protein function. In summary, the available evidence is currently insufficient to determine the role of this variant in disease. Therefore, it has been classified as a Variant of Uncertain Significance.

Ambry Genetics
Classification: Uncertain significance for Inborn genetic diseases. Last evaluated: 2023-11-09. Review status: criteria provided, single submitter. Criteria: Ambry Variant Classification Scheme 2023. Collection method: clinical testing. Allele origin: germline.

NM_014874.4(MFN2):c.950C>G (p.Ala317Gly)

Gene: MFN2 (mitofusin 2; plus strand). Cytogenetic location: 1p36.22.
Variant type: single nucleotide variant.
Coding change: c.950C>G on transcript NM_014874.4 (MANE Select); coding-DNA position 950, C replaced by G.
Protein change: p.Ala317Gly; replaces alanine 317 with glycine.
Molecular consequence: missense variant.
Genome position (GRCh38, 1-based): chr1:12,001,534, C>G. VCF-style: chr1-12001534-C-G. GRCh37 (hg19) VCF-style: chr1-12061591-C-G.
Other names: c.950C>G, p.Ala317Gly (NM_001127660.2); short protein forms A317G.
Identifiers: ClinVar variation 843133 (VCV000843133.10), dbSNP rs1639173341, ClinGen allele CA338441986.